The following is an entry in ClinVar:

ClinVar aggregate classification (germline): Uncertain significance (1 of 4 stars; one submission).

Allele frequency attached by ClinVar (database versions not stated): gnomAD 0.00001; gnomAD exomes 0.00001; TOPMed 0.00001.
gnomAD v4.1: 19 of 1,538,530 alleles (0.0012%); highest among the groups gnomAD compares: East Asian, 0.046%; no homozygotes.

Submission:

GeneDx
Classification: Uncertain significance. Last evaluated: 2025-04-24. Review status: criteria provided, single submitter. Criteria: GeneDx Variant Classification Process June 2021. Collection method: clinical testing. Allele origin: germline. Affected: yes.
Comment: In silico analysis indicates that this missense variant does not alter protein structure/function; Has not been previously published as pathogenic or benign to our knowledge

NM_001292063.2(OTOG):c.2734C>G (p.Leu912Val)

Gene: OTOG (otogelin; plus strand). Cytogenetic location: 11p15.1.
Variant type: single nucleotide variant.
Coding change: c.2734C>G on transcript NM_001292063.2 (MANE Select); coding-DNA position 2734, C replaced by G.
Protein change: p.Leu912Val; replaces leucine 912 with valine.
Molecular consequence: missense variant.
Genome position (GRCh38, 1-based): chr11:17,578,501, C>G. VCF-style: chr11-17578501-C-G. GRCh37 (hg19) VCF-style: chr11-17600048-C-G.
Other names: c.2770C>G, p.Leu924Val (NM_001277269.2); short protein forms L912V, L924V.
Identifiers: ClinVar variation 1723640 (VCV001723640.4), dbSNP rs1402361470, ClinGen allele CA379776356.